The following is an entry in ClinVar:

NM_000138.5(FBN1):c.6997+3G>A

Gene: FBN1 (fibrillin 1; minus strand). Cytogenetic location: 15q21.1.
Variant type: single nucleotide variant.
Coding change: c.6997+3G>A on transcript NM_000138.5 (MANE Select); 3 bases into the intron after coding-DNA position 6997, G replaced by A.
Molecular consequence: intron variant.
Genome position (GRCh38, 1-based): chr15:48,428,343, C>T on the plus strand (G>A on the coding strand, the complement: FBN1 is on the minus strand). VCF-style: chr15-48428343-C-T. GRCh37 (hg19) VCF-style: chr15-48720540-C-T.
Identifiers: ClinVar variation 1034959 (VCV001034959.6), dbSNP rs1270425478, ClinGen allele CA617833875.

ClinVar aggregate classification (germline): Uncertain significance (1 of 4 stars; one submission).

Conditions:
Marfan syndrome (MFS). Also called: FBN1-Related Marfan Syndrome; MARFAN SYNDROME, TYPE I; Marfan syndrome type 1; Marfan's syndrome; Marfan syndrome, classic. Identifiers: Orphanet 284963, Orphanet 558, MedGen C0024796, MONDO:0007947, OMIM 154700.
Familial thoracic aortic aneurysm and aortic dissection (TAAD). Also called: Thoracic aortic aneurysms and dissections. Identifiers: Orphanet 91387, MedGen C4707243, MONDO:0019625.

Allele frequency attached by ClinVar (database versions not stated): gnomAD exomes 0.00001.
gnomAD v4.1: 4 of 1,613,968 alleles (0.00025%); highest among the groups gnomAD compares: Admixed American, 0.005%; no homozygotes.

Submission:

Labcorp Genetics (formerly Invitae), Labcorp
Classification: Uncertain significance for Marfan syndrome; Familial thoracic aortic aneurysm and aortic dissection. Last evaluated: 2023-09-06. Review status: criteria provided, single submitter. Criteria: Invitae Variant Classification Sherloc (09022015). Collection method: clinical testing. Allele origin: germline.
Comment: ClinVar contains an entry for this variant (Variation ID: 1034959). In summary, the available evidence is currently insufficient to determine the role of this variant in disease. Therefore, it has been classified as a Variant of Uncertain Significance. Variants that disrupt the consensus splice site are a relatively common cause of aberrant splicing (PMID: 17576681, 9536098). Algorithms developed to predict the effect of sequence changes on RNA splicing suggest that this variant is not likely to affect RNA splicing. This sequence change falls in intron 57 of the FBN1 gene. It does not directly change the encoded amino acid sequence of the FBN1 protein. It affects a nucleotide within the consensus splice site. This variant is present in population databases (no rsID available, gnomAD 0.003%). This variant has not been reported in the literature in individuals affected with FBN1-related conditions.

Literature cited by the submitters: PubMed 17576681; PubMed 9536098.